The following is an entry in ClinVar:

ClinVar aggregate classification (germline): Uncertain significance. Review status: criteria provided, multiple submitters, no conflicts (2 of 4 stars). 3 submissions from 3 submitters: Uncertain significance (3). Last evaluated 2025-08-18.

Allele frequency attached by ClinVar (database versions not stated): gnomAD exomes 0.00001; ExAC 0.00003; ESP Exome Variant Server 0.00008; gnomAD 0.00008; TOPMed 0.00012; 1000 Genomes Project 30x 0.00016; 1000 Genomes Project 0.00020.
gnomAD v4.1: 31 of 1,613,984 alleles (0.0019%); highest among the groups gnomAD compares: African/African-American, 0.021%; no homozygotes.

Submissions (3):

Labcorp Genetics (formerly Invitae), Labcorp
Classification: Uncertain significance. Last evaluated: 2025-08-18. Review status: criteria provided, single submitter. Criteria: Invitae Variant Classification Sherloc (09022015). Collection method: clinical testing. Allele origin: germline.
Comment: This sequence change replaces arginine, which is basic and polar, with cysteine, which is neutral and slightly polar, at codon 608 of the KIF23 protein (p.Arg608Cys). This variant is present in population databases (rs376701807, gnomAD 0.03%). This variant has not been reported in the literature in individuals affected with KIF23-related conditions. ClinVar contains an entry for this variant (Variation ID: 2175752). An algorithm developed to predict the effect of missense changes on protein structure and function outputs the following: PolyPhen-2: "Benign". The cysteine amino acid residue is found in multiple mammalian species, which suggests that this missense change does not adversely affect protein function. In summary, the available evidence is currently insufficient to determine the role of this variant in disease. Therefore, it has been classified as a Variant of Uncertain Significance.

Revvity Omics, Revvity
Classification: Uncertain significance. Last evaluated: 2023-09-23. Review status: criteria provided, single submitter. Criteria: ACMG Guidelines, 2015. Collection method: clinical testing. Allele origin: germline.

Ambry Genetics
Classification: Uncertain significance. Last evaluated: 2021-08-02. Review status: criteria provided, single submitter. Criteria: Ambry Variant Classification Scheme 2023. Collection method: clinical testing. Allele origin: germline.

NM_001367805.3(KIF23):c.1864C>T (p.Arg622Cys)

Gene: KIF23 (kinesin family member 23; plus strand). Cytogenetic location: 15q23.
Variant type: single nucleotide variant.
Coding change: c.1864C>T on transcript NM_001367805.3 (MANE Select); coding-DNA position 1864, C replaced by T.
Protein change: p.Arg622Cys; replaces arginine 622 with cysteine.
Molecular consequence: missense variant. On other transcripts: non-coding transcript variant (2).
Genome position (GRCh38, 1-based): chr15:69,440,012, C>T. VCF-style: chr15-69440012-C-T. GRCh37 (hg19) VCF-style: chr15-69732351-C-T.
Other names: c.1822C>T (NM_138555.2); c.1492C>T, p.Arg498Cys (NM_001281301.2); c.1822C>T, p.Arg608Cys (NM_001367804.2, NM_004856.7, NM_138555.4); short protein forms R608C, R498C, R622C.
Identifiers: ClinVar variation 2175752 (VCV002175752.6), dbSNP rs376701807, ClinGen allele CA7635268.